The following is an entry in ClinVar:

NM_001382391.1(CSPP1):c.769G>T (p.Asp257Tyr)

Gene: CSPP1 (centrosome and spindle pole associated protein 1; plus strand). Cytogenetic location: 8q13.1.
Variant type: single nucleotide variant.
Coding change: c.769G>T on transcript NM_001382391.1 (MANE Select); coding-DNA position 769, G replaced by T.
Protein change: p.Asp257Tyr; replaces aspartic acid 257 with tyrosine.
Molecular consequence: missense variant. On other transcripts: 5 prime UTR variant (1).
Genome position (GRCh38, 1-based): chr8:67,095,578, G>T. VCF-style: chr8-67095578-G-T. GRCh37 (hg19) VCF-style: chr8-68007813-G-T.
Other names: c.-87G>T (NM_001291339.2); c.688G>T, p.Asp230Tyr (NM_001363131.2, NM_001363133.2); c.769G>T, p.Asp257Tyr (NM_001363132.2); c.877G>T, p.Asp293Tyr (NM_001364869.1); c.796G>T, p.Asp266Tyr (NM_001364870.1, NM_024790.7); short protein forms D230Y, D257Y, D266Y, D293Y.
Identifiers: ClinVar variation 1000136 (VCV001000136.8), dbSNP rs750608589, ClinGen allele CA4770357.

ClinVar aggregate classification (germline): Uncertain significance. Review status: criteria provided, multiple submitters, no conflicts (2 of 4 stars). 3 submissions from 3 submitters: Uncertain significance (3). Last evaluated 2025-12-30.

Conditions:
Joubert syndrome 21 (JBTS21). Identifiers: MedGen C3810212, MONDO:0014288, OMIM 615636.
Inborn genetic diseases. Identifiers: MedGen C0950123, MeSH D030342.

Allele frequency attached by ClinVar (database versions not stated): TOPMed 0.00011.
gnomAD v4.1: 66 of 1,613,884 alleles (0.0041%); highest among the groups gnomAD compares: African/African-American, 0.021%; no homozygotes.

Submissions (3):

GeneDx
Classification: Uncertain significance. Last evaluated: 2025-12-30. Review status: criteria provided, single submitter. Criteria: GeneDx Variant Classification Process June 2021. Collection method: clinical testing. Allele origin: germline. Affected: yes.
Comment: In silico analysis suggests that this missense variant does not alter protein structure/function; Has not been previously published as pathogenic or benign to our knowledge

Ambry Genetics
Classification: Uncertain significance for Inborn genetic diseases. Last evaluated: 2025-01-10. Review status: criteria provided, single submitter. Criteria: Ambry Variant Classification Scheme 2023. Collection method: clinical testing. Allele origin: germline.

Labcorp Genetics (formerly Invitae), Labcorp
Classification: Uncertain significance for Joubert syndrome 21. Last evaluated: 2022-08-06. Review status: criteria provided, single submitter. Criteria: Invitae Variant Classification Sherloc (09022015). Collection method: clinical testing. Allele origin: germline.
Comment: In summary, the available evidence is currently insufficient to determine the role of this variant in disease. Therefore, it has been classified as a Variant of Uncertain Significance. Algorithms developed to predict the effect of missense changes on protein structure and function are either unavailable or do not agree on the potential impact of this missense change (SIFT: "Deleterious"; PolyPhen-2: "Possibly Damaging"; Align-GVGD: "Class C0"). ClinVar contains an entry for this variant (Variation ID: 1000136). This variant has not been reported in the literature in individuals affected with CSPP1-related conditions. This variant is present in population databases (rs750608589, gnomAD 0.03%). This sequence change replaces aspartic acid, which is acidic and polar, with tyrosine, which is neutral and polar, at codon 266 of the CSPP1 protein (p.Asp266Tyr).